The following is an entry in ClinVar:

NM_013275.6(ANKRD11):c.5702C>G (p.Pro1901Arg)

Gene: ANKRD11 (ankyrin repeat domain 11; minus strand). Cytogenetic location: 16q24.3.
Variant type: single nucleotide variant.
Coding change: c.5702C>G on transcript NM_013275.6 (MANE Select); coding-DNA position 5702, C replaced by G.
Protein change: p.Pro1901Arg; replaces proline 1901 with arginine.
Molecular consequence: missense variant.
Genome position (GRCh38, 1-based): chr16:89,280,840, G>C on the plus strand (C>G on the coding strand, the complement: ANKRD11 is on the minus strand). VCF-style: chr16-89280840-G-C. GRCh37 (hg19) VCF-style: chr16-89347248-G-C.
Other names: c.5702C>G, p.Pro1901Arg (NM_001256182.2, NM_001256183.2); short protein forms P1901R.
Identifiers: ClinVar variation 2847435 (VCV002847435.3), dbSNP rs1337575623, ClinGen allele CA397153217.

ClinVar aggregate classification (germline): Uncertain significance (1 of 4 stars; one submission).

Conditions:
KBG syndrome (KBGS). Also called: ANKRD11-Related KBG Syndrome. Identifiers: Orphanet 2332, MedGen C0220687, MONDO:0007846, OMIM 148050.

gnomAD v4.1: 1 of 1,601,480 alleles (0.000062%); highest among the groups gnomAD compares: Admixed American, 0.0017%; no homozygotes.

Submission:

Labcorp Genetics (formerly Invitae), Labcorp
Classification: Uncertain significance for KBG syndrome. Last evaluated: 2023-07-20. Review status: criteria provided, single submitter. Criteria: Invitae Variant Classification Sherloc (09022015). Collection method: clinical testing. Allele origin: germline.
Comment: In summary, the available evidence is currently insufficient to determine the role of this variant in disease. Therefore, it has been classified as a Variant of Uncertain Significance. Advanced modeling of protein sequence and biophysical properties (such as structural, functional, and spatial information, amino acid conservation, physicochemical variation, residue mobility, and thermodynamic stability) performed at Invitae indicates that this missense variant is not expected to disrupt ANKRD11 protein function. This variant has not been reported in the literature in individuals affected with ANKRD11-related conditions. This variant is present in population databases (no rsID available, gnomAD 0.003%). This sequence change replaces proline, which is neutral and non-polar, with arginine, which is basic and polar, at codon 1901 of the ANKRD11 protein (p.Pro1901Arg).